The following is an entry in ClinVar:

ClinVar aggregate classification (germline): Likely pathogenic (1 of 4 stars; one submission).

Conditions:
Neurodevelopmental disorder with microcephaly, impaired language, and gait abnormalities. Identifiers: MedGen C5436783, MONDO:0100348, OMIM 619091.

gnomAD v4.1: 1 of 1,614,112 alleles (0.000062%); no homozygotes.

Submission:

Genetic Medico-Diagnostic Laboratory Genica
Classification: Likely pathogenic for Neurodevelopmental disorder with microcephaly, impaired language, and gait abnormalities. Last evaluated: 2022-03-31. Review status: criteria provided, single submitter. Criteria: ACMG Guidelines, 2015. Collection method: clinical testing. Allele origin: maternal. Inheritance: Autosomal recessive inheritance. Affected: yes. Observed: 1 compound heterozygote. Segregation with disease observed.
Comment: The variant is described as Likely Pathogenic according to the ACMG Guidelines, 2015.

NM_004539.4(NARS1):c.676G>C (p.Val226Leu)

Gene: NARS1 (asparaginyl-tRNA synthetase 1; minus strand). Cytogenetic location: 18q21.31.
Variant type: single nucleotide variant.
Coding change: c.676G>C on transcript NM_004539.4 (MANE Select); coding-DNA position 676, G replaced by C.
Protein change: p.Val226Leu; replaces valine 226 with leucine.
Molecular consequence: missense variant.
Genome position (GRCh38, 1-based): chr18:57,607,569, C>G on the plus strand (G>C on the coding strand, the complement: NARS1 is on the minus strand). VCF-style: chr18-57607569-C-G. GRCh37 (hg19) VCF-style: chr18-55274801-C-G.
Other names: short protein forms V226L.
Identifiers: ClinVar variation 1526421 (VCV001526421.1), dbSNP rs778244918, ClinGen allele CA402549173.
Genomic context (GRCh38, chr18:57,607,569, plus strand): 5'-GGATTTTGGACATGTTTTCTCCTCGGATCATCATGTGTCTGTTGTTGAGCTGGACATCAA[C>G]GTCAGACTCCTCATTGATCAGGTTGTCAGCTCCTCCAGCAGGGGCCAACCCAATTAGTTC-3'
Protein context (NP_004530.1, residues 216-236): ADNLINEESD[Val226Leu]DVQLNNRHMM